The following is an entry in ClinVar:

ClinVar aggregate classification (germline): Uncertain significance. Review status: criteria provided, multiple submitters, no conflicts (2 of 4 stars). 4 submissions from 4 submitters: Uncertain significance (4). Last evaluated 2025-10-15.

Conditions:
Inborn genetic diseases. Identifiers: MedGen C0950123, MeSH D030342.
MIRAGE syndrome. Also called: MYELODYSPLASIA, INFECTION, RESTRICTION OF GROWTH, ADRENAL HYPOPLASIA, GENITAL PHENOTYPES, AND ENTEROPATHY. Identifiers: Orphanet 494433, MedGen C4284088, MONDO:0014888, OMIM 617053.
Monosomy 7 myelodysplasia and leukemia syndrome 2. Identifiers: MedGen C5436668, MONDO:0030801, OMIM 619041.
Normophosphatemic familial tumoral calcinosis. Also called: CALCINOSIS, TUMORAL, WITH NORMOPHOSPHATEMIA. Identifiers: Orphanet 306658, Orphanet 53715, MedGen C1864861, MONDO:0012502, OMIM 610455.

Allele frequency attached by ClinVar (database versions not stated): gnomAD 0.00004; TOPMed 0.00004; gnomAD exomes 0.00006; ExAC 0.00007; ESP Exome Variant Server 0.00008.
gnomAD v4.1: 104 of 1,613,974 alleles (0.0064%); highest among the groups gnomAD compares: Non-Finnish European, 0.0081%; no homozygotes.

Submissions (4):

Labcorp Genetics (formerly Invitae), Labcorp
Classification: Uncertain significance. Last evaluated: 2025-10-15. Review status: criteria provided, single submitter. Criteria: Invitae Variant Classification Sherloc (09022015). Collection method: clinical testing. Allele origin: germline.
Comment: This sequence change replaces histidine, which is basic and polar, with arginine, which is basic and polar, at codon 487 of the SAMD9 protein (p.His487Arg). This variant is present in population databases (rs376258200, gnomAD 0.01%). This variant has not been reported in the literature in individuals affected with SAMD9-related conditions. ClinVar contains an entry for this variant (Variation ID: 1347521). Invitae Evidence Modeling of protein sequence and biophysical properties (such as structural, functional, and spatial information, amino acid conservation, physicochemical variation, residue mobility, and thermodynamic stability) indicates that this missense variant is not expected to disrupt SAMD9 protein function with a negative predictive value of 95%. In summary, the available evidence is currently insufficient to determine the role of this variant in disease. Therefore, it has been classified as a Variant of Uncertain Significance.

GeneDx
Classification: Uncertain significance. Last evaluated: 2025-06-17. Review status: criteria provided, single submitter. Criteria: GeneDx Variant Classification Process June 2021. Collection method: clinical testing. Allele origin: germline.
Comment: In silico analysis suggests that this missense variant does not alter protein structure/function; Has not been previously published as pathogenic or benign to our knowledge; This variant is associated with the following publications: (PMID: 28545555)

Ambry Genetics
Classification: Uncertain significance for Inborn genetic diseases. Last evaluated: 2024-12-17. Review status: criteria provided, single submitter. Criteria: Ambry Variant Classification Scheme 2023. Collection method: clinical testing. Allele origin: germline.
Comment: The p.H487R variant (also known as c.1460A>G), located in coding exon 1 of the SAMD9 gene, results from an A to G substitution at nucleotide position 1460. The histidine at codon 487 is replaced by arginine, an amino acid with highly similar properties. This amino acid position is conserved. In addition, this alteration is predicted to be tolerated by in silico analysis. Based on the available evidence, the clinical significance of this variant remains unclear.

Department of Pathology and Laboratory Medicine, Sinai Health System
Classification: Uncertain significance for Normophosphatemic familial tumoral calcinosis; MIRAGE syndrome; Monosomy 7 myelodysplasia and leukemia syndrome 2. Last evaluated: 2023-09-20. Review status: criteria provided, single submitter. Criteria: ACMG Guidelines, 2015. Collection method: research. Allele origin: germline.

NM_017654.4(SAMD9):c.1460A>G (p.His487Arg)

Gene: SAMD9 (sterile alpha motif domain containing 9; minus strand). Cytogenetic location: 7q21.2.
Variant type: single nucleotide variant.
Coding change: c.1460A>G on transcript NM_017654.4 (MANE Select); coding-DNA position 1460, A replaced by G.
Protein change: p.His487Arg; replaces histidine 487 with arginine.
Molecular consequence: missense variant.
Genome position (GRCh38, 1-based): chr7:93,104,638, T>C on the plus strand (A>G on the coding strand, the complement: SAMD9 is on the minus strand). VCF-style: chr7-93104638-T-C. GRCh37 (hg19) VCF-style: chr7-92733951-T-C.
Other names: c.1460A>G (NM_017654.3); c.1460A>G, p.His487Arg (NM_001193307.2); short protein forms H487R.
Identifiers: ClinVar variation 1347521 (VCV001347521.9), dbSNP rs376258200, ClinGen allele CA4342971.